The following is an entry in ClinVar:

NM_001110556.2(FLNA):c.2094T>G (p.Asp698Glu)

Gene: FLNA (filamin A; minus strand). Cytogenetic location: Xq28.
Variant type: single nucleotide variant.
Coding change: c.2094T>G on transcript NM_001110556.2 (MANE Select); coding-DNA position 2094, T replaced by G.
Protein change: p.Asp698Glu; replaces aspartic acid 698 with glutamic acid.
Molecular consequence: missense variant.
Genome position (GRCh38, 1-based): chrX:154,364,301, A>C on the plus strand (T>G on the coding strand, the complement: FLNA is on the minus strand). VCF-style: chrX-154364301-A-C. GRCh37 (hg19) VCF-style: chrX-153592669-A-C.
Other names: c.2094T>G, p.Asp698Glu (NM_001456.4); short protein forms D698E.
Identifiers: ClinVar variation 1465709 (VCV001465709.8), dbSNP rs2148115999, ClinGen allele CA415238556.

ClinVar aggregate classification (germline): Uncertain significance (1 of 4 stars; one submission).

Conditions:
Oto-palato-digital syndrome, type II (OPD2). Also called: FACIOPALATOOSSEOUS SYNDROME; OPD II SYNDROME; Otopalatodigital Syndrome, Type II; Otopalatodigital Syndrome Type 2 (FLNA-OPD2). Identifiers: Orphanet 669, Orphanet 90652, MedGen C1844696, MONDO:0010571, OMIM 304120.
Heterotopia, periventricular, X-linked dominant (PVNH1). Also called: PERIVENTRICULAR NODULAR HETEROTOPIA 4; HETEROTOPIA, PERIVENTRICULAR, 1; PERIVENTRICULAR NODULAR HETEROTOPIA 1; X-linked periventricular heterotopia. Identifiers: Orphanet 2149, Orphanet 82004, MedGen C1848213, MONDO:0010233, OMIM 300049.
Melnick-Needles syndrome (MNS). Also called: MELNICK-NEEDLES OSTEODYSPLASTY; OSTEODYSPLASTY OF MELNICK AND NEEDLES; Melnick-Needles Syndrome (FLNA-MNS). Identifiers: Orphanet 2484, MedGen C0025237, MONDO:0010650, OMIM 309350.
Frontometaphyseal dysplasia (FMD1). Identifiers: Orphanet 1826, MedGen C0265293, MONDO:0015942.

Submission:

Labcorp Genetics (formerly Invitae), Labcorp
Classification: Uncertain significance for Oto-palato-digital syndrome, type II; Heterotopia, periventricular, X-linked dominant; Frontometaphyseal dysplasia; Melnick-Needles syndrome. Last evaluated: 2022-04-13. Review status: criteria provided, single submitter. Criteria: Invitae Variant Classification Sherloc (09022015). Collection method: clinical testing. Allele origin: germline.
Comment: In summary, the available evidence is currently insufficient to determine the role of this variant in disease. Therefore, it has been classified as a Variant of Uncertain Significance. Advanced modeling of protein sequence and biophysical properties (such as structural, functional, and spatial information, amino acid conservation, physicochemical variation, residue mobility, and thermodynamic stability) performed at Invitae indicates that this missense variant is not expected to disrupt FLNA protein function. This variant has not been reported in the literature in individuals affected with FLNA-related conditions. This variant is not present in population databases (gnomAD no frequency). This sequence change replaces aspartic acid, which is acidic and polar, with glutamic acid, which is acidic and polar, at codon 698 of the FLNA protein (p.Asp698Glu).